The following is an entry in ClinVar:

ClinVar aggregate classification (germline): Benign/Likely benign. Review status: criteria provided, multiple submitters, no conflicts (2 of 4 stars). 4 submissions from 4 submitters: Benign (1); Likely benign (3). Last evaluated 2025-05-05.

Conditions:
Hereditary cancer-predisposing syndrome. Also called: Hereditary Cancer Syndrome; Tumor predisposition; Neoplastic Syndromes, Hereditary; Hereditary neoplastic syndrome. Identifiers: Orphanet 140162, MedGen C0027672, MeSH D009386, MONDO:0015356.
Peutz-Jeghers syndrome (PJS). Also called: Peutz-Jeghers polyposis; Periorificial lentiginosis syndrome; POLYPOSIS, HAMARTOMATOUS INTESTINAL; POLYPS-AND-SPOTS SYNDROME. Identifiers: Orphanet 2869, MedGen C0031269, MeSH D010580, MONDO:0008280, OMIM 175200.

Allele frequency attached by ClinVar (database versions not stated): gnomAD exomes below 0.00001.
gnomAD v4.1: 2 of 1,606,912 alleles (0.00012%); highest among the groups gnomAD compares: South Asian, 0.0011%; no homozygotes.

Submissions (4):

Labcorp Genetics (formerly Invitae), Labcorp
Classification: Likely benign for Peutz-Jeghers syndrome. Last evaluated: 2025-05-05. Review status: criteria provided, single submitter. Criteria: Invitae Variant Classification Sherloc (09022015). Collection method: clinical testing. Allele origin: germline.

Myriad Genetics, Inc.
Classification: Benign for Peutz-Jeghers syndrome. Last evaluated: 2025-03-26. Review status: criteria provided, single submitter. Criteria: Myriad Autosomal Dominant, Autosomal Recessive and X-Linked Classification Criteria (2023). Collection method: clinical testing. Allele origin: unknown.
Comment: This variant is considered benign. This variant is a silent/synonymous amino acid change and it is not expected to impact splicing.

Ambry Genetics
Classification: Likely benign for Hereditary cancer-predisposing syndrome. Last evaluated: 2024-07-07. Review status: criteria provided, single submitter. Criteria: Ambry Variant Classification Scheme 2023. Collection method: clinical testing. Allele origin: germline.

GeneDx
Classification: Likely benign. Last evaluated: 2017-02-20. Review status: criteria provided, single submitter. Criteria: GeneDx Variant Classification (06012015). Collection method: clinical testing. Allele origin: germline. Affected: yes.
Comment: This variant is considered likely benign or benign based on one or more of the following criteria: it is a conservative change, it occurs at a poorly conserved position in the protein, it is predicted to be benign by multiple in silico algorithms, and/or has population frequency not consistent with disease.

NM_000455.5(STK11):c.555C>T (p.Thr185=)

Gene: STK11 (serine/threonine kinase 11; plus strand). Cytogenetic location: 19p13.3.
Variant type: single nucleotide variant.
Coding change: c.555C>T on transcript NM_000455.5 (MANE Select); coding-DNA position 555, C replaced by T.
Protein change: p.Thr185=; no amino-acid change (threonine 185 retained).
Molecular consequence: synonymous variant.
Genome position (GRCh38, 1-based): chr19:1,220,463, C>T. VCF-style: chr19-1220463-C-T. GRCh37 (hg19) VCF-style: chr19-1220462-C-T.
Identifiers: ClinVar variation 507606 (VCV000507606.12), dbSNP rs1060503781, ClinGen allele CA504892331.